The following is an entry in ClinVar:

ClinVar aggregate classification (germline): Conflicting classifications of pathogenicity. Review status: criteria provided, conflicting classifications (1 of 4 stars). 5 submissions from 5 submitters: Uncertain significance (3); Likely benign (2). Last evaluated 2025-07-23.

Conditions:
Hereditary cancer-predisposing syndrome. Also called: Tumor predisposition; Neoplastic Syndromes, Hereditary; Hereditary Cancer Syndrome; Hereditary neoplastic syndrome. Identifiers: Orphanet 140162, MedGen C0027672, MeSH D009386, MONDO:0015356.
Isolated focal cortical dysplasia type II (FCORD2). Also called: CORTICAL DYSPLASIA OF TAYLOR; Focal cortical dysplasia type II. Identifiers: Orphanet 268994, MedGen C1846385, MONDO:0011818, OMIM 607341, HP:0032051.
Tuberous sclerosis 1 (TSC1). Identifiers: Orphanet 805, MedGen C1854465, MONDO:0008612, OMIM 191100.

Allele frequency attached by ClinVar (database versions not stated): gnomAD exomes 0.00001; ExAC 0.00002.

Submissions (5):

Ambry Genetics
Classification: Likely benign for Hereditary cancer-predisposing syndrome. Last evaluated: 2025-07-23. Review status: criteria provided, single submitter. Criteria: Ambry Variant Classification Scheme 2023. Collection method: clinical testing. Allele origin: germline.

Baylor Genetics
Classification: Uncertain significance for Isolated focal cortical dysplasia type II. Last evaluated: 2024-03-24. Review status: criteria provided, single submitter. Criteria: ACMG Guidelines, 2015. Collection method: clinical testing. Allele origin: unknown.

Labcorp Genetics (formerly Invitae), Labcorp
Classification: Uncertain significance for Tuberous sclerosis 1. Last evaluated: 2022-02-22. Review status: criteria provided, single submitter. Criteria: Invitae Variant Classification Sherloc (09022015). Collection method: clinical testing. Allele origin: germline.
Comment: Algorithms developed to predict the effect of missense changes on protein structure and function output the following: SIFT: "Tolerated"; PolyPhen-2: "Benign"; Align-GVGD: "Class C0". The threonine amino acid residue is found in multiple mammalian species, which suggests that this missense change does not adversely affect protein function. ClinVar contains an entry for this variant (Variation ID: 486574). This variant has not been reported in the literature in individuals affected with TSC1-related conditions. This variant is present in population databases (rs757370776, gnomAD 0.002%). This sequence change replaces methionine, which is neutral and non-polar, with threonine, which is neutral and polar, at codon 1004 of the TSC1 protein (p.Met1004Thr). In summary, the available evidence is currently insufficient to determine the role of this variant in disease. Therefore, it has been classified as a Variant of Uncertain Significance.

Genome-Nilou Lab
Classification: Uncertain significance for Tuberous sclerosis 1. Last evaluated: 2021-11-07. Review status: criteria provided, single submitter. Criteria: ACMG Guidelines, 2015. Collection method: clinical testing. Allele origin: germline. Affected: no.

GeneDx
Classification: Likely benign. Last evaluated: 2018-02-23. Review status: criteria provided, single submitter. Criteria: GeneDx Variant Classification (06012015). Collection method: clinical testing. Allele origin: germline. Affected: yes.
Comment: This variant is considered likely benign or benign based on one or more of the following criteria: it is a conservative change, it occurs at a poorly conserved position in the protein, it is predicted to be benign by multiple in silico algorithms, and/or has population frequency not consistent with disease.

NM_000368.5(TSC1):c.3011T>C (p.Met1004Thr)

Gene: TSC1 (TSC complex subunit 1; minus strand). Cytogenetic location: 9q34.13.
Variant type: single nucleotide variant.
Coding change: c.3011T>C on transcript NM_000368.5 (MANE Select); coding-DNA position 3011, T replaced by C.
Protein change: p.Met1004Thr; replaces methionine 1004 with threonine.
Molecular consequence: missense variant.
Genome position (GRCh38, 1-based): chr9:132,896,719, A>G on the plus strand (T>C on the coding strand, the complement: TSC1 is on the minus strand). VCF-style: chr9-132896719-A-G. GRCh37 (hg19) VCF-style: chr9-135772106-A-G.
Other names: c.3008T>C, p.Met1003Thr (NM_001162426.2); c.2858T>C, p.Met953Thr (NM_001162427.2); c.2648T>C, p.Met883Thr (NM_001362177.2); short protein forms M1004T, M1003T, M953T, M883T.
Identifiers: ClinVar variation 486574 (VCV000486574.19), dbSNP rs757370776, ClinGen allele CA035603.